The following is an entry in ClinVar:

NM_001018115.3(FANCD2):c.1278+2dup

Genes: FANCD2 (FA complementation group D2; plus strand), LOC107303338 (3p25 FANCD2 Alu-mediated recombination region; plus strand). Cytogenetic location: 3p25.3.
Variant type: Duplication.
Coding change: c.1278+2dup on transcript NM_001018115.3 (MANE Select); the canonical splice donor site of the intron after coding-DNA position 1278, one base duplicated (T; older notation c.1278+2dupT).
Molecular consequence: splice donor variant.
Genome position (GRCh38, 1-based): chr3:10,046,725, T duplicated. VCF-style (leftmost placement, unchanged base first): chr3-10046724-G-GT. GRCh37 (hg19) VCF-style: chr3-10088408-G-GT.
Other names: c.1278+2dupT (NM_033084.3); c.1278+2dup (NM_001319984.2, NM_001374253.1, NM_033084.6 and 1 more transcripts).
Identifiers: ClinVar variation 526391 (VCV000526391.7), dbSNP rs1553608861, ClinGen allele CA658796236.

ClinVar aggregate classification (germline): Uncertain significance (1 of 4 stars; one submission).

Conditions:
Fanconi anemia (FA). Also called: Fanconi's anemia. Identifiers: Orphanet 84, MedGen C0015625, MeSH D005199, MONDO:0019391.

Submission:

Labcorp Genetics (formerly Invitae), Labcorp
Classification: Uncertain significance for Fanconi anemia. Last evaluated: 2017-10-13. Review status: criteria provided, single submitter. Criteria: Invitae Variant Classification Sherloc (09022015). Collection method: clinical testing. Allele origin: germline.
Comment: In summary, the available evidence is currently insufficient to determine the role of this variant in disease. Therefore, it has been classified as a Variant of Uncertain Significance. This sequence change falls in intron 15 of the FANCD2 gene. It does not directly change the encoded amino acid sequence of the FANCD2 protein, but it affects a nucleotide within the consensus splice site of the intron. This variant is not present in population databases (ExAC no frequency). This variant has not been reported in the literature in individuals with FANCD2-related disease. Nucleotide substitutions within the consensus splice site are a relatively common cause of aberrant splicing (PMID: 17576681, 9536098). Algorithms developed to predict the effect of sequence changes on RNA splicing suggest that this variant may disrupt the consensus splice site, but this prediction has not been confirmed by published transcriptional studies.

Literature cited by the submitters: PubMed 17576681; PubMed 9536098.